The following is an entry in ClinVar:

NM_000399.5(EGR2):c.1142G>A (p.Arg381His)

Gene: EGR2 (early growth response 2; minus strand). Cytogenetic location: 10q21.3.
Variant type: single nucleotide variant.
Coding change: c.1142G>A on transcript NM_000399.5 (MANE Select); coding-DNA position 1142, G replaced by A.
Protein change: p.Arg381His; replaces arginine 381 with histidine.
Molecular consequence: missense variant.
Genome position (GRCh38, 1-based): chr10:62,813,496, C>T on the plus strand (G>A on the coding strand, the complement: EGR2 is on the minus strand). VCF-style: chr10-62813496-C-T. GRCh37 (hg19) VCF-style: chr10-64573256-C-T.
Other names: c.1142G>A, p.Arg381His (NM_001136177.3, NM_001136178.2); c.992G>A, p.Arg331His (NM_001136179.3, NM_001321037.2); short protein forms R381H, R331H.
Identifiers: ClinVar variation 41008 (VCV000041008.38), dbSNP rs281865137, ClinGen allele CA343874.

ClinVar aggregate classification (germline): Pathogenic. Review status: criteria provided, multiple submitters, no conflicts (2 of 4 stars). 8 submissions from 8 submitters: Pathogenic (4). 4 of the submissions do not count toward it. Last evaluated 2023-10-01.

Conditions:
Charcot-Marie-Tooth disease. Also called: Charcot-Marie-Tooth Neuropathy; Charcot-Marie-Tooth Hereditary Neuropathy. Identifiers: Orphanet 166, MedGen C0007959, MONDO:0015626.
Charcot-Marie-Tooth disease, type I (CMT1). Also called: Charcot-Marie-Tooth, Type 1; Charcot-Marie-Tooth disease type 1. Identifiers: Orphanet 65753, MedGen C0751036, MONDO:0019011.
Charcot-Marie-Tooth disease type 1D. Also called: Charcot-Marie-Tooth disease, demyelinating, type 1d; HEREDITARY MOTOR AND SENSORY NEUROPATHY 1D; HMSN ID; CHARCOT-MARIE-TOOTH NEUROPATHY, TYPE 1D. Identifiers: Orphanet 101084, MedGen C1843247, MONDO:0011890, OMIM 607678.

Submissions (8):

CeGaT Center for Human Genetics Tuebingen
Classification: Pathogenic. Last evaluated: 2023-10-01. Review status: criteria provided, single submitter. Criteria: CeGaT Center For Human Genetics Tuebingen Variant Classification Criteria Version 2. Collection method: clinical testing. Allele origin: germline. Affected: yes. Observed: 1 variant allele.
Comment: EGR2: PM1, PM2, PM5, PM6, PS4:Moderate, PS3:Supporting

Labcorp Genetics (formerly Invitae), Labcorp
Classification: Pathogenic for Charcot-Marie-Tooth disease, type I. Last evaluated: 2023-01-18. Review status: criteria provided, single submitter. Criteria: Invitae Variant Classification Sherloc (09022015). Collection method: clinical testing. Allele origin: germline.
Comment: ClinVar contains an entry for this variant (Variation ID: 41008). For these reasons, this variant has been classified as Pathogenic. This variant disrupts the p.Arg381 amino acid residue in EGR2. Other variant(s) that disrupt this residue have been observed in individuals with EGR2-related conditions (PMID: 11239949, 20513111), which suggests that this may be a clinically significant amino acid residue. Experimental studies have shown that this missense change affects EGR2 function (PMID: 12609493). Advanced modeling of protein sequence and biophysical properties (such as structural, functional, and spatial information, amino acid conservation, physicochemical variation, residue mobility, and thermodynamic stability) performed at Invitae indicates that this missense variant is expected to disrupt EGR2 protein function. This missense change has been observed in individual(s) with Charcot-Marie-Tooth (CMT) (PMID: 10762521, 12471219, 22765307, 25720245). In at least one individual the variant was observed to be de novo. This variant is not present in population databases (gnomAD no frequency). This sequence change replaces arginine, which is basic and polar, with histidine, which is basic and polar, at codon 381 of the EGR2 protein (p.Arg381His).

Athena Diagnostics
Classification: Pathogenic. Last evaluated: 2021-08-12. Review status: criteria provided, single submitter. Criteria: Athena Diagnostics Criteria. Collection method: clinical testing. Allele origin: unknown.
Comment: This variant was not reported in large, multi-ethnic, general populations. This variant appears to occur de novo in multiple individuals with clinical features associated with this gene. Assessment of experimental evidence suggests this variant results in abnormal protein function. Multiple studies have shown that this variant results in the loss of transcriptional regulatory activity required for normal myelination (PMID: 11734543, 12609493).

CMT Laboratory, Bogazici University
Classification: Pathogenic for Charcot-Marie-Tooth disease type 1D. Last evaluated: 2020-12-01. Review status: criteria provided, single submitter. Criteria: ACMG Guidelines, 2015. Collection method: clinical testing. Allele origin: germline. Affected: yes. Observed: 1 variant allele.

Genesis Genome Database
Classification: Uncertain significance for Charcot-Marie-Tooth disease. Last evaluated: 2019-08-14. Review status: no assertion criteria provided. Collection method: research. Allele origin: germline. Affected: yes. Not counted in ClinVar's aggregate classification.

Inherited Neuropathy Consortium Ii, University Of Miami
Classification: Uncertain significance for Charcot-Marie-Tooth disease type 1D. Last evaluated: 2016-01-06. Review status: no assertion criteria provided. Collection method: literature only. Allele origin: germline. Affected: yes. Not counted in ClinVar's aggregate classification.

GeneReviews
No classification provided. Condition: Charcot-Marie-Tooth disease type 1D. Review status: no classification provided. Collection method: literature only. Allele origin: unknown. Not counted in ClinVar's aggregate classification.

Inherited Neuropathy Consortium
Classification: Uncertain significance for Charcot-Marie-Tooth disease. Review status: no assertion criteria provided. Collection method: literature only. Allele origin: germline. Affected: yes. Not counted in ClinVar's aggregate classification.

Literature cited by the submitters: PubMed 11239949 (cited by Labcorp Genetics (formerly Invitae), Labcorp); PubMed 20513111 (cited by Labcorp Genetics (formerly Invitae), Labcorp and Athena Diagnostics); PubMed 12609493 (cited by Labcorp Genetics (formerly Invitae), Labcorp and Athena Diagnostics); PubMed 10762521 (cited by Labcorp Genetics (formerly Invitae), Labcorp and Athena Diagnostics); PubMed 12471219 (cited by 4 submitters); PubMed 22765307 (cited by Labcorp Genetics (formerly Invitae), Labcorp and Athena Diagnostics); PubMed 25720245 (cited by Labcorp Genetics (formerly Invitae), Labcorp and Athena Diagnostics); PubMed 11734543 (cited by Athena Diagnostics); PubMed 31673878 (cited by CMT Laboratory, Bogazici University); PubMed 20301384 (cited by GeneReviews); NCBI Bookshelf NBK1205 (cited by GeneReviews).